The following is an entry in ClinVar:

ClinVar aggregate classification (germline): Uncertain significance. Review status: criteria provided, multiple submitters, no conflicts (2 of 4 stars). 2 submissions from 2 submitters: Uncertain significance (2). Last evaluated 2022-12-14.

Allele frequency attached by ClinVar (database versions not stated): ExAC 0.00003; gnomAD 0.00003; TOPMed 0.00003; ESP Exome Variant Server 0.00015.
gnomAD v4.1: 34 of 1,613,936 alleles (0.0021%); highest among the groups gnomAD compares: Middle Eastern, 0.082%; no homozygotes.

Submissions (2):

Ambry Genetics
Classification: Uncertain significance. Last evaluated: 2022-12-14. Review status: criteria provided, single submitter. Criteria: Ambry Variant Classification Scheme 2023. Collection method: clinical testing. Allele origin: germline.

Labcorp Genetics (formerly Invitae), Labcorp
Classification: Uncertain significance. Last evaluated: 2022-07-15. Review status: criteria provided, single submitter. Criteria: Invitae Variant Classification Sherloc (09022015). Collection method: clinical testing. Allele origin: germline.
Comment: This sequence change replaces glycine, which is neutral and non-polar, with alanine, which is neutral and non-polar, at codon 236 of the TMPRSS15 protein (p.Gly236Ala). This variant is present in population databases (rs143785380, gnomAD 0.006%). This variant has not been reported in the literature in individuals affected with TMPRSS15-related conditions. Algorithms developed to predict the effect of missense changes on protein structure and function are either unavailable or do not agree on the potential impact of this missense change (SIFT: "Not Available"; PolyPhen-2: "Probably Damaging"; Align-GVGD: "Not Available"). In summary, the available evidence is currently insufficient to determine the role of this variant in disease. Therefore, it has been classified as a Variant of Uncertain Significance.

NM_002772.3(TMPRSS15):c.707G>C (p.Gly236Ala)

Gene: TMPRSS15 (transmembrane serine protease 15; minus strand). Cytogenetic location: 21q21.1.
Variant type: single nucleotide variant.
Coding change: c.707G>C on transcript NM_002772.3 (MANE Select); coding-DNA position 707, G replaced by C.
Protein change: p.Gly236Ala; replaces glycine 236 with alanine.
Molecular consequence: missense variant.
Genome position (GRCh38, 1-based): chr21:18,365,206, C>G on the plus strand (G>C on the coding strand, the complement: TMPRSS15 is on the minus strand). VCF-style: chr21-18365206-C-G. GRCh37 (hg19) VCF-style: chr21-19737523-C-G.
Other names: c.707G>C (NM_002772.2); short protein forms G236A.
Identifiers: ClinVar variation 2182820 (VCV002182820.2), dbSNP rs143785380, ClinGen allele CA9984670.